The following is an entry in ClinVar:

NM_024301.5(FKRP):c.-253+5GGCCG[3]

Genes: FKRP (fukutin related protein; plus strand), STRN4 (striatin 4; minus strand), LOC130064775 (ATAC-STARR-seq lymphoblastoid silent region 10825; plus strand). Cytogenetic location: 19q13.32.
Variant type: Microsatellite.
Coding change: c.-253+5GGCCG[3] on transcript NM_024301.5 (MANE Select); three copies in a row of the 5-base unit GGCCG starting at c.-253+5.
Molecular consequence: intron variant.
Genome position: GRCh38 VCF-style: chr19-46746094-AGGCCG-A. GRCh37 (hg19) VCF-style: chr19-47249351-AGGCCG-A.
Other names: c.-253+22_-253+26del (NM_024301.5); c.282+35CGGCC[3] (NM_013403.3, NM_001039877.2); c.-305+5GGCCG[3] (NM_001039885.3).
Identifiers: ClinVar variation 4684389 (VCV004684389.1).

ClinVar aggregate classification (germline): Likely benign (1 of 4 stars; one submission).

Submission:

Mayo Clinic Laboratories, Mayo Clinic
Classification: Likely benign. Last evaluated: 2024-07-30. Review status: criteria provided, single submitter. Criteria: ACMG Guidelines, 2015. Collection method: clinical testing. Allele origin: germline. Observed: 5 variant alleles.
Comment: BS1, BP4, BP7